The following is an entry in ClinVar:

NM_000038.6(APC):c.5520T>C (p.Phe1840=)

Gene: APC (APC regulator of Wnt signaling pathway; plus strand). Cytogenetic location: 5q22.2.
Variant type: single nucleotide variant.
Coding change: c.5520T>C on transcript NM_000038.6 (MANE Select); coding-DNA position 5520, T replaced by C.
Protein change: p.Phe1840=; no amino-acid change (phenylalanine 1840 retained).
Molecular consequence: synonymous variant.
Genome position (GRCh38, 1-based): chr5:112,841,114, T>C. VCF-style: chr5-112841114-T-C. GRCh37 (hg19) VCF-style: chr5-112176811-T-C.
Other names: c.5520T>C, p.Phe1840= (NM_001127510.3, NM_001354895.2); c.5466T>C, p.Phe1822= (NM_001127511.3); c.5574T>C, p.Phe1858= (NM_001354896.2); c.5550T>C, p.Phe1850= (NM_001354897.2); c.5445T>C, p.Phe1815= (NM_001354898.2); c.5436T>C, p.Phe1812= (NM_001354899.2); c.5397T>C, p.Phe1799= (NM_001354900.2); c.5343T>C, p.Phe1781= (NM_001354901.2); and 5 more.
Identifiers: ClinVar variation 1538220 (VCV001538220.11), dbSNP rs1765970267, ClinGen allele CA446208902.

ClinVar aggregate classification (germline): Benign/Likely benign. Review status: criteria provided, multiple submitters, no conflicts (2 of 4 stars). 3 submissions from 3 submitters: Benign (1); Likely benign (2). Last evaluated 2025-10-26.

Conditions:
Hereditary cancer-predisposing syndrome. Also called: Hereditary Cancer Syndrome; Tumor predisposition; Neoplastic Syndromes, Hereditary; Hereditary neoplastic syndrome. Identifiers: Orphanet 140162, MedGen C0027672, MeSH D009386, MONDO:0015356.
Familial adenomatous polyposis 1 (FAP1). Also called: FAMILIAL ADENOMATOUS POLYPOSIS 1, ATTENUATED; POLYPOSIS, ADENOMATOUS INTESTINAL. Identifiers: MedGen C2713442, MONDO:0021056, OMIM 175100. Disease mechanism: loss of function.

Allele frequency attached by ClinVar (database versions not stated): TOPMed below 0.00001.

Submissions (3):

Labcorp Genetics (formerly Invitae), Labcorp
Classification: Likely benign for Familial adenomatous polyposis 1. Last evaluated: 2025-10-26. Review status: criteria provided, single submitter. Criteria: Invitae Variant Classification Sherloc (09022015). Collection method: clinical testing. Allele origin: germline.

Myriad Genetics, Inc.
Classification: Benign for Familial adenomatous polyposis 1. Last evaluated: 2024-04-02. Review status: criteria provided, single submitter. Criteria: Myriad Autosomal Dominant, Autosomal Recessive and X-Linked Classification Criteria (2023). Collection method: clinical testing. Allele origin: unknown.
Comment: This variant is considered benign. This variant is a silent/synonymous amino acid change and it is not expected to impact splicing.

Ambry Genetics
Classification: Likely benign for Hereditary cancer-predisposing syndrome. Last evaluated: 2020-08-31. Review status: criteria provided, single submitter. Criteria: Ambry Variant Classification Scheme 2023. Collection method: clinical testing. Allele origin: germline.